The following is an entry in ClinVar:

NM_004360.5(CDH1):c.2154T>G (p.Leu718=)

Gene: CDH1 (cadherin 1; plus strand). Cytogenetic location: 16q22.1.
Variant type: single nucleotide variant.
Coding change: c.2154T>G on transcript NM_004360.5 (MANE Select); coding-DNA position 2154, T replaced by G.
Protein change: p.Leu718=; no amino-acid change (leucine 718 retained).
Molecular consequence: synonymous variant.
Genome position (GRCh38, 1-based): chr16:68,823,616, T>G. VCF-style: chr16-68823616-T-G. GRCh37 (hg19) VCF-style: chr16-68857519-T-G.
Other names: c.1971T>G, p.Leu657= (NM_001317184.2); c.606T>G, p.Leu202= (NM_001317185.2); c.189T>G, p.Leu63= (NM_001317186.2).
Identifiers: ClinVar variation 794945 (VCV000794945.13), dbSNP rs1445172318, ClinGen allele CA496392493.
Genomic context (GRCh38, chr16:68,823,616, plus strand): 5'-ACAGCCTGTCGAAGCAGGATTGCAAATTCCTGCCATTCTGGGGATTCTTGGAGGAATTCT[T>G]GCTTTGCTAAGTAAGTCCAGCTGGCAAGTGACTCAGCCTTTGACTTAAAAAAATGGAGGA-3'
Protein context (NP_004351.1, residues 708-728): PAILGILGGI[Leu718=]ALLILILLLL

ClinVar aggregate classification (germline): Benign/Likely benign. Review status: criteria provided, multiple submitters, no conflicts (2 of 4 stars). 3 submissions from 3 submitters: Benign (1); Likely benign (2). Last evaluated 2025-02-10.

Conditions:
Hereditary cancer-predisposing syndrome. Also called: Neoplastic Syndromes, Hereditary; Hereditary Cancer Syndrome; Tumor predisposition; Hereditary neoplastic syndrome. Identifiers: Orphanet 140162, MedGen C0027672, MeSH D009386, MONDO:0015356.
Hereditary diffuse gastric adenocarcinoma (HDGC). Also called: DIFFUSE GASTRIC AND LOBULAR BREAST CANCER SYNDROME. Identifiers: Orphanet 26106, MedGen C1708349, MONDO:0007648, OMIM 137215.

Allele frequency attached by ClinVar (database versions not stated): gnomAD exomes below 0.00001; TOPMed below 0.00001; gnomAD 0.00001.
gnomAD v4.1: 2 of 1,610,614 alleles (0.00012%); no homozygotes.

Submissions (3):

Labcorp Genetics (formerly Invitae), Labcorp
Classification: Likely benign for Hereditary diffuse gastric adenocarcinoma. Last evaluated: 2025-02-10. Review status: criteria provided, single submitter. Criteria: Invitae Variant Classification Sherloc (09022015). Collection method: clinical testing. Allele origin: germline.

Myriad Genetics, Inc.
Classification: Benign for Hereditary diffuse gastric adenocarcinoma. Last evaluated: 2024-09-20. Review status: criteria provided, single submitter. Criteria: Myriad Autosomal Dominant, Autosomal Recessive and X-Linked Classification Criteria (2023). Collection method: clinical testing. Allele origin: unknown.
Comment: This variant is considered benign. This variant is a silent/synonymous amino acid change and it is not expected to impact splicing.

Ambry Genetics
Classification: Likely benign for Hereditary cancer-predisposing syndrome. Last evaluated: 2020-12-19. Review status: criteria provided, single submitter. Criteria: Ambry Variant Classification Scheme 2023. Collection method: clinical testing. Allele origin: germline.